The following is an entry in ClinVar:

NM_032501.4(ACSS1):c.1209G>A (p.Lys403=)

Gene: ACSS1 (acyl-CoA synthetase short chain family member 1; minus strand). Cytogenetic location: 20p11.21.
Variant type: single nucleotide variant.
Coding change: c.1209G>A on transcript NM_032501.4 (MANE Select); coding-DNA position 1209, G replaced by A.
Protein change: p.Lys403=; no amino-acid change (lysine 403 retained).
Molecular consequence: synonymous variant.
Genome position (GRCh38, 1-based): chr20:25,020,047, C>T on the plus strand (G>A on the coding strand, the complement: ACSS1 is on the minus strand). VCF-style: chr20-25020047-C-T. GRCh37 (hg19) VCF-style: chr20-25000683-C-T.
Other names: c.1209G>A, p.Lys403= (NM_001252675.2, NM_001252677.2); c.846G>A, p.Lys282= (NM_001252676.2).
Identifiers: ClinVar variation 2652247 (VCV002652247.24), dbSNP rs145679432, ClinGen allele CA9792978.
Genomic context (GRCh38, chr20:25,020,047, plus strand): 5'-CTGCTGCAGGGCAGGCCGCTCACCTGACCCCAGGGTCCGCAGGGAGGAGCGATCATACTT[C>T]TTCACCCAGGCATCACCGTATTTCAGCAACAGCCGGACAGCCGTTGGGGCGCCATAGAAC-3'
Protein context (NP_115890.2, residues 393-413): LLLKYGDAWV[Lys403=]KYDRSSLRTL

ClinVar aggregate classification (germline): Benign (1 of 4 stars; one submission).

Allele frequency attached by ClinVar (database versions not stated): 1000 Genomes Project 30x 0.00468; 1000 Genomes Project 0.00519; TOPMed 0.00640; ExAC 0.00652; ESP Exome Variant Server 0.00700; gnomAD 0.00741; gnomAD exomes 0.00866.
gnomAD v4.1: 13,725 of 1,614,220 alleles (0.85%); highest among the groups gnomAD compares: Non-Finnish European, 0.97%; 60 homozygotes.

Submission:

CeGaT Center for Human Genetics Tuebingen
Classification: Benign. Last evaluated: 2023-02-01. Review status: criteria provided, single submitter. Criteria: CeGaT Center For Human Genetics Tuebingen Variant Classification Criteria Version 2. Collection method: clinical testing. Allele origin: germline. Affected: yes. Observed: 1 variant allele.
Comment: ACSS1: BP4, BP7, BS1, BS2